The following is an entry in ClinVar:

NM_000393.5(COL5A2):c.2964G>A (p.Thr988=)

Gene: COL5A2 (collagen type V alpha 2 chain; minus strand). Cytogenetic location: 2q32.2.
Variant type: single nucleotide variant.
Coding change: c.2964G>A on transcript NM_000393.5 (MANE Select); coding-DNA position 2964, G replaced by A.
Protein change: p.Thr988=; no amino-acid change (threonine 988 retained).
Molecular consequence: synonymous variant.
Genome position (GRCh38, 1-based): chr2:189,050,644, C>T on the plus strand (G>A on the coding strand, the complement: COL5A2 is on the minus strand). VCF-style: chr2-189050644-C-T. GRCh37 (hg19) VCF-style: chr2-189915370-C-T.
Identifiers: ClinVar variation 414892 (VCV000414892.12), dbSNP rs1060504380, ClinGen allele CA16610653.

ClinVar aggregate classification (germline): Likely benign. Review status: criteria provided, multiple submitters, no conflicts (2 of 4 stars). 3 submissions from 3 submitters: Likely benign (3). Last evaluated 2025-11-27.

Conditions:
Ehlers-Danlos syndrome, classic type, 1 (EDSCL1). Also called: EHLERS-DANLOS SYNDROME, GRAVIS TYPE; EHLERS-DANLOS SYNDROME, SEVERE CLASSIC TYPE; Ehlers-Danlos Syndrome, Classic Type, COL5A1-Related; EDS I; Ehlers-Danlos syndrome, type 1. Identifiers: MedGen C0268335, MONDO:0019567, OMIM 130000.
Familial thoracic aortic aneurysm and aortic dissection (TAAD). Also called: Thoracic aortic aneurysms and dissections. Identifiers: Orphanet 91387, MedGen C4707243, MONDO:0019625.

Allele frequency attached by ClinVar (database versions not stated): gnomAD exomes 0.00002; gnomAD 0.00002; TOPMed 0.00005.
gnomAD v4.1: 30 of 1,552,380 alleles (0.0019%); highest among the groups gnomAD compares: Middle Eastern, 0.017%; no homozygotes.

Submissions (3):

Labcorp Genetics (formerly Invitae), Labcorp
Classification: Likely benign for Ehlers-Danlos syndrome, classic type, 1. Last evaluated: 2025-11-27. Review status: criteria provided, single submitter. Criteria: Invitae Variant Classification Sherloc (09022015). Collection method: clinical testing. Allele origin: germline.

Ambry Genetics
Classification: Likely benign for Familial thoracic aortic aneurysm and aortic dissection. Last evaluated: 2023-02-10. Review status: criteria provided, single submitter. Criteria: Ambry Variant Classification Scheme 2023. Collection method: clinical testing. Allele origin: germline.

GeneDx
Classification: Likely benign. Last evaluated: 2018-01-02. Review status: criteria provided, single submitter. Criteria: GeneDx Variant Classification (06012015). Collection method: clinical testing. Allele origin: germline. Affected: yes.
Comment: This variant is considered likely benign or benign based on one or more of the following criteria: it is a conservative change, it occurs at a poorly conserved position in the protein, it is predicted to be benign by multiple in silico algorithms, and/or has population frequency not consistent with disease.